The following is an entry in ClinVar:

NM_000257.4(MYH7):c.1362G>A (p.Gln454=)

Gene: MYH7 (myosin heavy chain 7; minus strand). Cytogenetic location: 14q11.2.
Variant type: single nucleotide variant.
Coding change: c.1362G>A on transcript NM_000257.4 (MANE Select); coding-DNA position 1362, G replaced by A.
Protein change: p.Gln454=; no amino-acid change (glutamine 454 retained).
Molecular consequence: synonymous variant.
Genome position (GRCh38, 1-based): chr14:23,429,000, C>T on the plus strand (G>A on the coding strand, the complement: MYH7 is on the minus strand). VCF-style: chr14-23429000-C-T. GRCh37 (hg19) VCF-style: chr14-23898209-C-T.
Other names: c.1362G>A, p.Gln454= (NM_001407004.1).
Identifiers: ClinVar variation 1983168 (VCV001983168.6), dbSNP rs377333141, ClinGen allele CA028261.

ClinVar aggregate classification (germline): Likely benign. Review status: criteria provided, multiple submitters, no conflicts (2 of 4 stars). 3 submissions from 3 submitters: Likely benign (3). Last evaluated 2026-04-21.

Conditions:
Cardiomyopathy (CMYO). Also called: Cardiomyopathies. Identifiers: Orphanet 167848, MedGen C0878544, MONDO:0004994, HP:0001638. Inheritance: Various modes of inheritance.
Cardiovascular phenotype. Identifiers: MedGen CN230736.
Hypertrophic cardiomyopathy. Also called: HYPERTROPHIC MYOCARDIOPATHY. Identifiers: Orphanet 217569, MedGen C0007194, MeSH D002312, MONDO:0005045, HP:0001639.

Allele frequency attached by ClinVar (database versions not stated): TOPMed below 0.00001; ExAC 0.00001; gnomAD 0.00001; ESP Exome Variant Server 0.00008; gnomAD exomes below 0.00001.
gnomAD v4.1: 8 of 1,614,092 alleles (0.0005%); highest among the groups gnomAD compares: Middle Eastern, 0.016%; no homozygotes.

Submissions (3):

Ambry Genetics
Classification: Likely benign for Cardiovascular phenotype. Last evaluated: 2026-04-21. Review status: criteria provided, single submitter. Criteria: Ambry Variant Classification Scheme 2023. Collection method: clinical testing. Allele origin: germline.

All of Us Research Program, National Institutes of Health
Classification: Likely benign for Cardiomyopathy. Last evaluated: 2023-12-13. Review status: criteria provided, single submitter. Criteria: ACMG Guidelines, 2015. Collection method: clinical testing. Allele origin: germline. Inheritance: Autosomal dominant inheritance. Observed: 1 variant allele, 1 heterozygote.
Comment: This study involves interpretation of variants in research participants for the purpose of population health screening. Participant phenotype was not available at the time of variant classification. Additional details can be found in publication PMID: 35346344, PMCID: PMC8962531

Labcorp Genetics (formerly Invitae), Labcorp
Classification: Likely benign for Hypertrophic cardiomyopathy. Last evaluated: 2022-12-13. Review status: criteria provided, single submitter. Criteria: Invitae Variant Classification Sherloc (09022015). Collection method: clinical testing. Allele origin: germline.